The following is an entry in ClinVar:

ClinVar aggregate classification (germline): Uncertain significance (1 of 4 stars; one submission).

Submission:

Labcorp Genetics (formerly Invitae), Labcorp
Classification: Uncertain significance. Last evaluated: 2020-12-18. Review status: criteria provided, single submitter. Criteria: Invitae Variant Classification Sherloc (09022015). Collection method: clinical testing. Allele origin: germline.
Comment: Nucleotide substitutions within the consensus splice site are a relatively common cause of aberrant splicing (PMID: 17576681, 9536098). Algorithms developed to predict the effect of sequence changes on RNA splicing suggest that this variant is not likely to affect RNA splicing, but this prediction has not been confirmed by published transcriptional studies. This sequence change falls in intron 12 of the TULP1 gene. It does not directly change the encoded amino acid sequence of the TULP1 protein, but it affects a nucleotide within the consensus splice site of the intron. This variant is not present in population databases (ExAC no frequency). This variant has not been reported in the literature in individuals with TULP1-related conditions. In summary, the available evidence is currently insufficient to determine the role of this variant in disease. Therefore, it has been classified as a Variant of Uncertain Significance.

Literature cited by the submitters: PubMed 17576681; PubMed 9536098.

NM_003322.6(TULP1):c.1224+3G>A

Gene: TULP1 (TUB like protein 1; minus strand). Cytogenetic location: 6p21.31.
Variant type: single nucleotide variant.
Coding change: c.1224+3G>A on transcript NM_003322.6 (MANE Select); 3 bases into the intron after coding-DNA position 1224, G replaced by A.
Molecular consequence: intron variant.
Genome position (GRCh38, 1-based): chr6:35,503,734, C>T on the plus strand (G>A on the coding strand, the complement: TULP1 is on the minus strand). VCF-style: chr6-35503734-C-T. GRCh37 (hg19) VCF-style: chr6-35471511-C-T.
Other names: c.1065+3G>A (NM_001289395.2).
Identifiers: ClinVar variation 1037857 (VCV001037857.6), dbSNP rs1761021091, ClinGen allele CA1620922079.